The following is an entry in ClinVar:

NM_001080508.3(TBX18):c.392C>T (p.Thr131Ile)

Gene: TBX18 (T-box transcription factor 18; minus strand). Cytogenetic location: 6q14.3.
Variant type: single nucleotide variant.
Coding change: c.392C>T on transcript NM_001080508.3 (MANE Select); coding-DNA position 392, C replaced by T.
Protein change: p.Thr131Ile; replaces threonine 131 with isoleucine.
Molecular consequence: missense variant.
Genome position (GRCh38, 1-based): chr6:84,762,649, G>A on the plus strand (C>T on the coding strand, the complement: TBX18 is on the minus strand). VCF-style: chr6-84762649-G-A. GRCh37 (hg19) VCF-style: chr6-85472367-G-A.
Other names: c.392C>T (NM_001080508.2); short protein forms T131I.
Identifiers: ClinVar variation 2177028 (VCV002177028.6), dbSNP rs200869232, ClinGen allele CA3911115.

ClinVar aggregate classification (germline): Uncertain significance. Review status: criteria provided, single submitter (1 of 4 stars). 2 submissions from 2 submitters: Uncertain significance (1). 1 of the submissions does not count toward it. Last evaluated 2025-03-18.

Conditions:
TBX18-related disorder. Also called: TBX18-related condition.

Allele frequency attached by ClinVar (database versions not stated): gnomAD 0.00005; TOPMed 0.00009; ExAC 0.00021; 1000 Genomes Project 30x 0.00031; 1000 Genomes Project 0.00040; gnomAD exomes 0.00004.
gnomAD v4.1: 62 of 1,610,948 alleles (0.0038%); highest among the groups gnomAD compares: Admixed American, 0.099%; no homozygotes.

Submissions (2):

Labcorp Genetics (formerly Invitae), Labcorp
Classification: Uncertain significance. Last evaluated: 2025-03-18. Review status: criteria provided, single submitter. Criteria: Invitae Variant Classification Sherloc (09022015). Collection method: clinical testing. Allele origin: germline.
Comment: This sequence change replaces threonine, which is neutral and polar, with isoleucine, which is neutral and non-polar, at codon 131 of the TBX18 protein (p.Thr131Ile). This variant is present in population databases (rs200869232, gnomAD 0.1%), and has an allele count higher than expected for a pathogenic variant. This variant has not been reported in the literature in individuals affected with TBX18-related conditions. ClinVar contains an entry for this variant (Variation ID: 2177028). An algorithm developed to predict the effect of missense changes on protein structure and function (PolyPhen-2) suggests that this variant is likely to be tolerated. In summary, the available evidence is currently insufficient to determine the role of this variant in disease. Therefore, it has been classified as a Variant of Uncertain Significance.

PreventionGenetics, part of Exact Sciences
Classification: Likely benign for TBX18-related condition. Last evaluated: 2021-12-29. Review status: no assertion criteria provided. Collection method: clinical testing. Allele origin: germline. Not counted in ClinVar's aggregate classification.
Comment: This variant is classified as likely benign based on ACMG/AMP sequence variant interpretation guidelines (Richards et al. 2015 PMID: 25741868, with internal and published modifications).